The following is an entry in ClinVar:

ClinVar aggregate classification (germline): Uncertain significance (1 of 4 stars; one submission).

Conditions:
Inborn genetic diseases. Identifiers: MedGen C0950123, MeSH D030342.

gnomAD v4.1: 2 of 1,614,070 alleles (0.00012%); highest among the groups gnomAD compares: Non-Finnish European, 0.00017%; no homozygotes.

Submission:

Ambry Genetics
Classification: Uncertain significance for Inborn genetic diseases. Last evaluated: 2025-11-19. Review status: criteria provided, single submitter. Criteria: Ambry Variant Classification Scheme 2023. Collection method: clinical testing. Allele origin: germline.
Comment: The p.C289F variant (also known as c.866G>T), located in coding exon 3 of the MBD4 gene, results from a G to T substitution at nucleotide position 866. The cysteine at codon 289 is replaced by phenylalanine, an amino acid with highly dissimilar properties. This amino acid position is conserved. In addition, the in silico prediction for this alteration is inconclusive. Based on the available evidence, the clinical significance of this variant remains unclear.

NM_001276270.2(MBD4):c.866G>T (p.Cys289Phe)

Gene: MBD4 (methyl-CpG binding domain 4, DNA glycosylase; minus strand). Cytogenetic location: 3q21.3.
Variant type: single nucleotide variant.
Coding change: c.866G>T on transcript NM_001276270.2 (MANE Select); coding-DNA position 866, G replaced by T.
Protein change: p.Cys289Phe; replaces cysteine 289 with phenylalanine.
Molecular consequence: missense variant. On other transcripts: intron variant (1).
Genome position (GRCh38, 1-based): chr3:129,436,778, C>A on the plus strand (G>T on the coding strand, the complement: MBD4 is on the minus strand). VCF-style: chr3-129436778-C-A. GRCh37 (hg19) VCF-style: chr3-129155621-C-A.
Other names: c.866G>T, p.Cys289Phe (NM_001276271.2, NM_001276272.2, NM_003925.3); c.247+1030G>T (NM_001276273.2); short protein forms C289F.
Identifiers: ClinVar variation 4624425 (VCV004624425.1).